The following is an entry in ClinVar:

NM_198407.2(GHSR):c.325T>C (p.Trp109Arg)

Gene: GHSR (growth hormone secretagogue receptor; minus strand). Cytogenetic location: 3q26.31.
Variant type: single nucleotide variant.
Coding change: c.325T>C on transcript NM_198407.2 (MANE Select); coding-DNA position 325, T replaced by C.
Protein change: p.Trp109Arg; replaces tryptophan 109 with arginine.
Molecular consequence: missense variant.
Genome position (GRCh38, 1-based): chr3:172,448,089, A>G on the plus strand (T>C on the coding strand, the complement: GHSR is on the minus strand). VCF-style: chr3-172448089-A-G. GRCh37 (hg19) VCF-style: chr3-172165879-A-G.
Other names: c.325T>C, p.Trp109Arg (NM_004122.2); short protein forms W109R.
Identifiers: ClinVar variation 1915761 (VCV001915761.6), dbSNP rs766495914, ClinGen allele CA2706491.
Genomic context (GRCh38, chr3:172,448,089, plus strand): 5'-CGTAGGTGCAGCTCTCACTGACGAATTGGAAGAGTTTGCAGAGGAGGTCGCCGAAGTTCC[A>G]GGGCCGGTACTGCCAGAGGCGAACGAGGTCCAGGGGCATGCAGAGGAAGATGAGCAGATC-3'
Protein context (NP_940799.1, residues 99-119): DLVRLWQYRP[Trp109Arg]NFGDLLCKLF

ClinVar aggregate classification (germline): Uncertain significance. Review status: criteria provided, multiple submitters, no conflicts (2 of 4 stars). 2 submissions from 2 submitters: Uncertain significance (2). Last evaluated 2025-09-15.

Allele frequency attached by ClinVar (database versions not stated): ExAC 0.00001; gnomAD 0.00001; gnomAD exomes 0.00001; TOPMed 0.00002.
gnomAD v4.1: 12 of 1,614,098 alleles (0.00074%); highest among the groups gnomAD compares: Admixed American, 0.018%; no homozygotes.

Submissions (2):

Labcorp Genetics (formerly Invitae), Labcorp
Classification: Uncertain significance. Last evaluated: 2025-09-15. Review status: criteria provided, single submitter. Criteria: Invitae Variant Classification Sherloc (09022015). Collection method: clinical testing. Allele origin: germline.
Comment: This sequence change replaces tryptophan, which is neutral and slightly polar, with arginine, which is basic and polar, at codon 109 of the GHSR protein (p.Trp109Arg). This variant is present in population databases (rs766495914, gnomAD 0.02%). This variant has not been reported in the literature in individuals affected with GHSR-related conditions. ClinVar contains an entry for this variant (Variation ID: 1915761). Invitae Evidence Modeling of protein sequence and biophysical properties (such as structural, functional, and spatial information, amino acid conservation, physicochemical variation, residue mobility, and thermodynamic stability) indicates that this missense variant is expected to disrupt GHSR protein function with a positive predictive value of 80%. In summary, the available evidence is currently insufficient to determine the role of this variant in disease. Therefore, it has been classified as a Variant of Uncertain Significance.

Women's Health and Genetics/Laboratory Corporation of America, LabCorp
Classification: Uncertain significance. Last evaluated: 2024-09-25. Review status: criteria provided, single submitter. Criteria: LabCorp Variant Classification Summary - May 2015. Collection method: clinical testing. Allele origin: germline.
Comment: Variant summary: GHSR c.325T>C (p.Trp109Arg) results in a non-conservative amino acid change located in the GPCR, rhodopsin-like, 7TM domain (IPR017452) of the encoded protein sequence. Five of five in-silico tools predict a damaging effect of the variant on protein function. The variant allele was found at a frequency of 3.2e-05 in 251000 control chromosomes. The available data on variant occurrences in the general population are insufficient to allow any conclusion about variant significance. To our knowledge, no occurrence of c.325T>C in individuals affected with Short Stature Due To Growth Hormone Secretagogue Receptor Deficiency and no experimental evidence demonstrating its impact on protein function have been reported. ClinVar contains an entry for this variant (Variation ID: 1915761). Based on the evidence outlined above, the variant was classified as uncertain significance.